The following is an entry in ClinVar:

NM_205767.3(MICOS13):c.136G>A (p.Glu46Lys)

Genes: MICOS13 (mitochondrial contact site and cristae organizing system subunit 13; minus strand), LOC130063256 (ATAC-STARR-seq lymphoblastoid active region 13805; plus strand). Cytogenetic location: 19p13.3.
Variant type: single nucleotide variant.
Coding change: c.136G>A on transcript NM_205767.3 (MANE Select); coding-DNA position 136, G replaced by A.
Protein change: p.Glu46Lys; replaces glutamic acid 46 with lysine.
Molecular consequence: missense variant.
Genome position (GRCh38, 1-based): chr19:5,679,657, C>T on the plus strand (G>A on the coding strand, the complement: MICOS13 is on the minus strand). VCF-style: chr19-5679657-C-T. GRCh37 (hg19) VCF-style: chr19-5679668-C-T.
Other names: c.202G>A, p.Glu68Lys (NM_001308240.2, NM_001365761.2); short protein forms E46K, E68K.
Identifiers: ClinVar variation 2007490 (VCV002007490.4), dbSNP rs2512336557, ClinGen allele CA403542415.

ClinVar aggregate classification (germline): Uncertain significance (1 of 4 stars; one submission).

Allele frequency attached by ClinVar (database versions not stated): gnomAD exomes below 0.00001.
gnomAD v4.1: 1 of 1,611,076 alleles (0.000062%); highest among the groups gnomAD compares: East Asian, 0.0022%; no homozygotes.

Submission:

Labcorp Genetics (formerly Invitae), Labcorp
Classification: Uncertain significance. Last evaluated: 2024-05-15. Review status: criteria provided, single submitter. Criteria: Invitae Variant Classification Sherloc (09022015). Collection method: clinical testing. Allele origin: germline.
Comment: This sequence change replaces glutamic acid, which is acidic and polar, with lysine, which is basic and polar, at codon 46 of the C19orf70 protein (p.Glu46Lys). This variant is not present in population databases (gnomAD no frequency). This variant has not been reported in the literature in individuals affected with C19orf70-related conditions. ClinVar contains an entry for this variant (Variation ID: 2007490). An algorithm developed to predict the effect of missense changes on protein structure and function (PolyPhen-2) suggests that this variant is likely to be disruptive. In summary, the available evidence is currently insufficient to determine the role of this variant in disease. Therefore, it has been classified as a Variant of Uncertain Significance.